The following is an entry in ClinVar:

ClinVar aggregate classification (germline): Uncertain significance (1 of 4 stars; one submission).

Conditions:
Hyperprolinemia type 2 (HYRPRO2). Also called: 1-PYRROLINE-5-CARBOXYLATE DEHYDROGENASE DEFICIENCY; Deficiency of pyrroline-5-carboxylate reductase; Delta-1-pyrroline-5-carboxylate dehydrogenase deficiency. Identifiers: Orphanet 79101, MedGen C2931835, MONDO:0009401, OMIM 239510.

Allele frequency attached by ClinVar (database versions not stated): gnomAD exomes below 0.00001.
gnomAD v4.1: 1 of 1,613,662 alleles (0.000062%); highest among the groups gnomAD compares: Admixed American, 0.0017%; no homozygotes.

Submission:

Labcorp Genetics (formerly Invitae), Labcorp
Classification: Uncertain significance for Hyperprolinemia type 2. Last evaluated: 2022-06-04. Review status: criteria provided, single submitter. Criteria: Invitae Variant Classification Sherloc (09022015). Collection method: clinical testing. Allele origin: germline.
Comment: In summary, the available evidence is currently insufficient to determine the role of this variant in disease. Therefore, it has been classified as a Variant of Uncertain Significance. Algorithms developed to predict the effect of missense changes on protein structure and function are either unavailable or do not agree on the potential impact of this missense change (SIFT: "Tolerated"; PolyPhen-2: "Possibly Damaging"; Align-GVGD: "Class C0"). This variant has not been reported in the literature in individuals affected with ALDH4A1-related conditions. This sequence change replaces leucine, which is neutral and non-polar, with proline, which is neutral and non-polar, at codon 118 of the ALDH4A1 protein (p.Leu118Pro). This variant is present in population databases (no rsID available, gnomAD 0.003%).

NM_003748.4(ALDH4A1):c.353T>C (p.Leu118Pro)

Gene: ALDH4A1 (aldehyde dehydrogenase 4 family member A1; minus strand). Cytogenetic location: 1p36.13.
Variant type: single nucleotide variant.
Coding change: c.353T>C on transcript NM_003748.4 (MANE Select); coding-DNA position 353, T replaced by C.
Protein change: p.Leu118Pro; replaces leucine 118 with proline.
Molecular consequence: missense variant.
Genome position (GRCh38, 1-based): chr1:18,885,573, A>G on the plus strand (T>C on the coding strand, the complement: ALDH4A1 is on the minus strand). VCF-style: chr1-18885573-A-G. GRCh37 (hg19) VCF-style: chr1-19212067-A-G.
Other names: c.173T>C, p.Leu58Pro (NM_001161504.2); c.353T>C, p.Leu118Pro (NM_001319218.2, NM_170726.3); short protein forms L58P, L118P.
Identifiers: ClinVar variation 2150108 (VCV002150108.4), dbSNP rs1179783680, ClinGen allele CA338760824.